The following is an entry in ClinVar:

ClinVar aggregate classification (germline): Likely benign (1 of 4 stars; one submission).

Allele frequency attached by ClinVar (database versions not stated): 1000 Genomes Project 0.00291; 1000 Genomes Project 30x 0.00291; gnomAD 0.00315 and 0.00338; TOPMed 0.00367.
gnomAD v4.1: 349 of 111,710 alleles (0.31%); highest among the groups gnomAD compares: African/African-American, 1.1%; 3 homozygotes.

Submission:

GeneDx
Classification: Likely benign. Last evaluated: 2018-06-16. Review status: criteria provided, single submitter. Criteria: GeneDx Variant Classification (06012015). Collection method: clinical testing. Allele origin: germline. Affected: yes.
Comment: This variant is considered likely benign or benign based on one or more of the following criteria: it is a conservative change, it occurs at a poorly conserved position in the protein, it is predicted to be benign by multiple in silico algorithms, and/or has population frequency not consistent with disease.

NM_004006.3(DMD):c.2381-190A>G

Gene: DMD (dystrophin; minus strand). Cytogenetic location: Xp21.1.
Variant type: single nucleotide variant.
Coding change: c.2381-190A>G on transcript NM_004006.3 (MANE Select); 190 bases into the intron before coding-DNA position 2381, A replaced by G.
Molecular consequence: intron variant.
Genome position (GRCh38, 1-based): chrX:32,491,708, T>C on the plus strand (A>G on the coding strand, the complement: DMD is on the minus strand). VCF-style: chrX-32491708-T-C. GRCh37 (hg19) VCF-style: chrX-32509825-T-C.
Other names: c.2357-190A>G (NM_000109.4); c.2369-190A>G (NM_004009.3); c.2012-190A>G (NM_004010.3).
Identifiers: ClinVar variation 676568 (VCV000676568.1), dbSNP rs188144634, ClinGen allele CA328020170.
Genomic context (GRCh38, chrX:32,491,708, plus strand): 5'-CTAAGATATAAATGTGTAAATATGATTTCAGATTATTCAATGTGAATTATCAGACTTGCG[T>C]CACAACAATGAATATCAATGCCATCAAGTAATAAGACATAAGATGTAGAAAATTAGAATA-3'